The following is an entry in ClinVar:

ClinVar aggregate classification (germline): Pathogenic (1 of 4 stars; one submission).

Submission:

Labcorp Genetics (formerly Invitae), Labcorp
Classification: Pathogenic. Last evaluated: 2024-09-05. Review status: criteria provided, single submitter. Criteria: Invitae Variant Classification Sherloc (09022015). Collection method: clinical testing. Allele origin: germline.
Comment: This sequence change creates a premature translational stop signal (p.Lys274Asnfs*31) in the ADNP gene. While this is not anticipated to result in nonsense mediated decay, it is expected to disrupt the last 829 amino acid(s) of the ADNP protein. This variant is not present in population databases (gnomAD no frequency). This premature translational stop signal has been observed in individuals with Helsmoortel-Van der Aa syndrome (PMID: 28221363, 31029150). This variant disrupts a region of the ADNP protein in which other variant(s) (p.Asn832Lysfs*81) have been determined to be pathogenic (PMID: 24531329, 28221363, 32275126; internal data). This suggests that this is a clinically significant region of the protein, and that variants that disrupt it are likely to be disease-causing. For these reasons, this variant has been classified as Pathogenic.

Literature cited by the submitters: PubMed 28221363; PubMed 31029150; PubMed 24531329; PubMed 32275126.

NM_001282531.3(ADNP):c.822del (p.Lys274fs)

Gene: ADNP (activity dependent neuroprotector homeobox; minus strand). Cytogenetic location: 20q13.13.
Variant type: Deletion.
Coding change: c.822del on transcript NM_001282531.3 (MANE Select); coding-DNA position 822, one base deleted (A; older notation c.822delA).
Protein change: p.Lys274fs; shifts the reading frame from lysine 274.
Molecular consequence: frameshift variant.
Genome position (GRCh38, 1-based): chr20:50,893,892, T deleted on the plus strand (A on the coding strand, the reverse complement: ADNP is on the minus strand); the first of 3 consecutive T bases (chr20:50,893,892-50,893,894); deleting any one gives the same sequence. VCF-style (leftmost placement, unchanged base first): chr20-50893891-GT-G. GRCh37 (hg19) VCF-style: chr20-49510428-GT-G.
Other names: c.822del, p.Lys274fs (NM_001282532.2, NM_001347511.2, NM_015339.5 and 1 more transcripts); short protein forms K274fs.
Identifiers: ClinVar variation 2761681 (VCV002761681.3), dbSNP rs2515589365, ClinGen allele CA2697547430.